The following is an entry in ClinVar:

NM_001100913.3(PACS2):c.-23_19dup (p.Arg6_Leu7insArgGlySerGlyGlyAlaGlyAlaMetAlaGluArgGlyArg)

Genes: BRF1 (BRF1 general transcription factor IIIB subunit; minus strand), PACS2 (phosphofurin acidic cluster sorting protein 2; plus strand). Cytogenetic location: 14q32.33.
Variant type: Duplication.
Coding change: c.-23_19dup on transcript NM_001100913.3 (MANE Select); 23 bases upstream of the start codon through coding-DNA position 19, 42 bases duplicated.
Protein change: p.Arg6_Leu7insArgGlySerGlyGlyAlaGlyAlaMetAlaGluArgGlyArg.
Molecular consequence: inframe insertion, initiator codon variant. On other transcripts: intron variant (4).
Genome position (GRCh38, 1-based): chr14:105,314,896-105,314,937, 42 bases duplicated; duplicating any 42 consecutive bases within chr14:105,314,888-105,314,937 gives the same sequence; the c. name uses the placement nearest the transcript's 3' end. GRCh37 (hg19): chr14:105,781,233-105,781,274.
Other names: c.-23_19dup, p.Arg6_Leu7insArgGlySerGlyGlyAlaGlyAlaMetAlaGluArgGlyArg (NM_015197.4); c.-162+393_-162+434dup (NM_001440451.1, NM_001242787.2, NM_001242786.2); c.-83+13917_-83+13958dup (NM_001243127.3).
Identifiers: ClinVar variation 4811972 (VCV004811972.1).
Genomic context (GRCh38, chr14:105,314,887, plus strand): 5'-CGCCGCCGCCCTCCGCGCGCCCGGCCCGCCCGCCGCGCGTCCGCGGCCCGGCCGCAGCCC[C>CAGGCCGCCGAGGGAGCGGCGGGGCCGGCGCCATGGCCGAGCG]AGGCCGCCGAGGGAGCGGCGGGGCCGGCGCCATGGCCGAGCGAGGCCGCCTCGGCCTCCC-3'

ClinVar aggregate classification (germline): Uncertain significance (1 of 4 stars; one submission).

Submission:

Labcorp Genetics (formerly Invitae), Labcorp
Classification: Uncertain significance. Last evaluated: 2025-09-03. Review status: criteria provided, single submitter. Criteria: Invitae Variant Classification Sherloc (09022015). Collection method: clinical testing. Allele origin: germline.
Comment: This variant occurs in a non-coding region of the PACS2 gene. It does not change the encoded amino acid sequence of the PACS2 protein. The frequency data for this variant in the population databases is considered unreliable, as metrics indicate insufficient coverage at this position in the gnomAD database. This variant has not been reported in the literature in individuals affected with PACS2-related conditions. This variant is also known as p.Leu7Hisfs*79. Experimental studies and prediction algorithms are not available or were not evaluated, and the functional significance of this variant is currently unknown. In summary, the available evidence is currently insufficient to determine the role of this variant in disease. Therefore, it has been classified as a Variant of Uncertain Significance.